The following is an entry in ClinVar:

ClinVar aggregate classification (germline): Uncertain significance (1 of 4 stars; one submission).

Conditions:
Multiple endocrine neoplasia, type 2 (MEN2). Identifiers: Orphanet 653, MedGen C4048306, MONDO:0019003. Disease mechanism: gain of function.

Submission:

Labcorp Genetics (formerly Invitae), Labcorp
Classification: Uncertain significance for Multiple endocrine neoplasia, type 2. Last evaluated: 2025-10-01. Review status: criteria provided, single submitter. Criteria: Invitae Variant Classification Sherloc (09022015). Collection method: clinical testing. Allele origin: germline.
Comment: This sequence change replaces proline, which is neutral and non-polar, with glutamine, which is neutral and polar, at codon 684 of the RET protein (p.Pro684Gln). This variant is not present in population databases (gnomAD no frequency). This variant has not been reported in the literature in individuals affected with RET-related conditions. An algorithm developed to predict the effect of missense changes on protein structure and function (PolyPhen-2) suggests that this variant is likely to be disruptive. In summary, the available evidence is currently insufficient to determine the role of this variant in disease. Therefore, it has been classified as a Variant of Uncertain Significance.

NM_020975.6(RET):c.2051C>A (p.Pro684Gln)

Gene: RET (ret proto-oncogene; plus strand). Cytogenetic location: 10q11.21.
Variant type: single nucleotide variant.
Coding change: c.2051C>A on transcript NM_020975.6 (MANE Select); coding-DNA position 2051, C replaced by A.
Protein change: p.Pro684Gln; replaces proline 684 with glutamine.
Molecular consequence: missense variant.
Genome position (GRCh38, 1-based): chr10:43,114,651, C>A. VCF-style: chr10-43114651-C-A. GRCh37 (hg19) VCF-style: chr10-43610099-C-A.
Other names: c.1061C>A, p.Pro354Gln (NM_001406784.1); c.1034C>A, p.Pro345Gln (NM_001406785.1); c.1025C>A, p.Pro342Gln (NM_001406786.1, NM_001406783.1); c.866C>A, p.Pro289Gln (NM_001406789.1, NM_001406790.1, NM_001406788.1); c.746C>A, p.Pro249Gln (NM_001406791.1); c.602C>A, p.Pro201Gln (NM_001406792.1, NM_001406793.1, NM_001406794.1); c.1019C>A, p.Pro340Gln (NM_001406787.1); c.2051C>A, p.Pro684Gln (NM_020630.7, NM_001406743.1, NM_001406744.1 and 2 more transcripts); and 10 more; short protein forms P201Q, P342Q, P354Q, P385Q, P442Q, P340Q, P509Q, P538Q.
Identifiers: ClinVar variation 4759583 (VCV004759583.1).
Genomic context (GRCh38, chr10:43,114,651, plus strand): 5'-CCCACAAGCCACCCATCTCCTCAGCTGAGATGACCTTCCGGAGGCCCGCCCAGGCCTTCC[C>A]GGTCAGCTACTCCTCTTCCGGTGCCCGCCGGCCCTCGCTGGACTCCATGGAGAACCAGGT-3'
Protein context (NP_066124.1, residues 674-694): MTFRRPAQAF[Pro684Gln]VSYSSSGARR